The following is an entry in ClinVar:

ClinVar aggregate classification (germline): Benign/Likely benign. Review status: criteria provided, multiple submitters, no conflicts (2 of 4 stars). 7 submissions from 7 submitters: Benign (5); Likely benign (2). Last evaluated 2026-02-04.

Conditions:
Normophosphatemic familial tumoral calcinosis. Also called: CALCINOSIS, TUMORAL, WITH NORMOPHOSPHATEMIA. Identifiers: Orphanet 306658, Orphanet 53715, MedGen C1864861, MONDO:0012502, OMIM 610455.

Allele frequency attached by ClinVar (database versions not stated): TOPMed 0.03076; gnomAD 0.03101 and 0.03638; ESP Exome Variant Server 0.03137; ExAC 0.05489; 1000 Genomes Project 30x 0.05856; 1000 Genomes Project 0.06110.
gnomAD v4.1: 80,090 of 1,613,786 alleles (5%); highest among the groups gnomAD compares: South Asian, 18%; 3,040 homozygotes.

Submissions (7):

Labcorp Genetics (formerly Invitae), Labcorp
Classification: Benign. Last evaluated: 2026-02-04. Review status: criteria provided, single submitter. Criteria: Invitae Variant Classification Sherloc (09022015). Collection method: clinical testing. Allele origin: germline.

ARUP Laboratories, Molecular Genetics and Genomics, ARUP Laboratories
Classification: Benign. Last evaluated: 2025-07-28. Review status: criteria provided, single submitter. Criteria: ARUP Molecular Germline Variant Investigation Process 2024. Collection method: clinical testing. Allele origin: germline.

Blueprint Genetics
Classification: Likely benign. Last evaluated: 2024-11-27. Review status: criteria provided, single submitter. Criteria: ACMG Guidelines, 2015. Collection method: clinical testing. Allele origin: germline.

Mayo Clinic Laboratories, Mayo Clinic
Classification: Benign. Last evaluated: 2022-09-06. Review status: criteria provided, single submitter. Criteria: ACMG Guidelines, 2015. Collection method: clinical testing. Allele origin: germline. Observed: 3 variant alleles.

Victorian Clinical Genetics Services, Murdoch Childrens Research Institute
Classification: Likely benign for Normophosphatemic familial tumoral calcinosis. Last evaluated: 2022-02-02. Review status: criteria provided, single submitter. Criteria: ACMG Guidelines, 2015. Collection method: clinical testing. Allele origin: germline. Inheritance: Autosomal recessive inheritance.
Comment: Based on the classification scheme VCGS_Germline_v1.3.4, this variant is classified as likely benign. Following criteria are met: 0308 - Population frequency for this variant is out of keeping with known incidence of autosomal recessive familial normophosphatemic tumoral calcinosis (MIM#610456). (SB) Legend: (SP) - Supporting pathogenic, (I) - Information, (SB) - Supporting benign

GeneDx
Classification: Benign. Last evaluated: 2018-10-22. Review status: criteria provided, single submitter. Criteria: GeneDx Variant Classification Process June 2021. Collection method: clinical testing. Allele origin: germline. Affected: yes.

Breakthrough Genomics
Classification: Benign. Review status: criteria provided, single submitter. Criteria: ACMG Guidelines, 2015. Collection method: not provided. Allele origin: germline. Inheritance: Autosomal recessive inheritance. Affected: yes.

NM_017654.4(SAMD9):c.1360G>A (p.Ala454Thr)

Gene: SAMD9 (sterile alpha motif domain containing 9; minus strand). Cytogenetic location: 7q21.2.
Variant type: single nucleotide variant.
Coding change: c.1360G>A on transcript NM_017654.4 (MANE Select); coding-DNA position 1360, G replaced by A.
Protein change: p.Ala454Thr; replaces alanine 454 with threonine.
Molecular consequence: missense variant.
Genome position (GRCh38, 1-based): chr7:93,104,738, C>T on the plus strand (G>A on the coding strand, the complement: SAMD9 is on the minus strand). VCF-style: chr7-93104738-C-T. GRCh37 (hg19) VCF-style: chr7-92734051-C-T.
Other names: p.Ala454Thr; c.1360G>A, p.Ala454Thr (NM_001193307.2); short protein forms A454T.
Identifiers: ClinVar variation 1167362 (VCV001167362.26), dbSNP rs117649834, ClinGen allele CA4342985.